The following is an entry in ClinVar:

NM_024675.4(PALB2):c.2353_2354del (p.Pro785fs)

Gene: PALB2 (partner and localizer of BRCA2; minus strand). Cytogenetic location: 16p12.2.
Variant type: Deletion.
Coding change: c.2353_2354del on transcript NM_024675.4 (MANE Select); coding-DNA positions 2353 to 2354, 2 bases deleted (CC; older notation c.2353_2354delCC).
Protein change: p.Pro785fs; shifts the reading frame from proline 785.
Molecular consequence: frameshift variant.
Genome position (GRCh38, 1-based): chr16:23,629,800-23,629,801, GG deleted on the plus strand (CC on the coding strand, the reverse complement: PALB2 is on the minus strand). VCF-style (leftmost placement, unchanged base first): chr16-23629799-TGG-T. GRCh37 (hg19) VCF-style: chr16-23641120-TGG-T.
Other names: c.2353_2354delCC (NM_024675.3); short protein forms P785fs.
Identifiers: ClinVar variation 1075441 (VCV001075441.26), dbSNP rs2142374907, ClinGen allele CA2499223426.

ClinVar aggregate classification (germline): Pathogenic/Likely pathogenic. Review status: criteria provided, multiple submitters, no conflicts (2 of 4 stars). 4 submissions from 4 submitters: Pathogenic (3); Likely pathogenic (1). Last evaluated 2023-12-14.

Conditions:
Hereditary cancer-predisposing syndrome. Also called: Tumor predisposition; Hereditary neoplastic syndrome; Neoplastic Syndromes, Hereditary; Hereditary Cancer Syndrome. Identifiers: Orphanet 140162, MedGen C0027672, MeSH D009386, MONDO:0015356.
Familial cancer of breast. Also called: hereditary breast carcinoma; Hereditary breast cancer; BREAST CANCER, FAMILIAL. Identifiers: Orphanet 227535, MedGen C0346153, MONDO:0016419, OMIM 114480. Disease mechanism: loss of function.

Allele frequency attached by ClinVar (database versions not stated): gnomAD exomes below 0.00001.

Submissions (4):

Ambry Genetics
Classification: Pathogenic for Hereditary cancer-predisposing syndrome. Last evaluated: 2023-12-14. Review status: criteria provided, single submitter. Criteria: Ambry Variant Classification Scheme 2023. Collection method: clinical testing. Allele origin: germline.
Comment: The c.2353_2354delCC pathogenic mutation, located in coding exon 5 of the PALB2 gene, results from a deletion of two nucleotides at nucleotide positions 2353 to 2354, causing a translational frameshift with a predicted alternate stop codon (p.P785Tfs*16). This variant was identified amongst 273 Pakistani patients with personal and/or family history suggestive of hereditary breast cancer (Akbar F et al. Hered Cancer Clin Pract, 2022 Jun;20:24). This variant is considered to be rare based on population cohorts in the Genome Aggregation Database (gnomAD). In addition to the clinical data presented in the literature, this alteration is expected to result in loss of function by premature protein truncation or nonsense-mediated mRNA decay. As such, this alteration is interpreted as a disease-causing mutation.

Myriad Genetics, Inc.
Classification: Pathogenic for Familial cancer of breast. Last evaluated: 2023-09-12. Review status: criteria provided, single submitter. Criteria: Myriad Autosomal Dominant, Autosomal Recessive and X-Linked Classification Criteria (2023). Collection method: clinical testing. Allele origin: unknown.
Comment: This variant is considered pathogenic. This variant creates a frameshift predicted to result in premature protein truncation.

Labcorp Genetics (formerly Invitae), Labcorp
Classification: Pathogenic for Familial cancer of breast. Last evaluated: 2020-03-08. Review status: criteria provided, single submitter. Criteria: Invitae Variant Classification Sherloc (09022015). Collection method: clinical testing. Allele origin: germline.
Comment: This variant is not present in population databases (ExAC no frequency). For these reasons, this variant has been classified as Pathogenic. Loss-of-function variants in PALB2 are known to be pathogenic (PMID: 17200668, 24136930, 25099575). This variant has not been reported in the literature in individuals with PALB2-related conditions. This sequence change creates a premature translational stop signal (p.Pro785Thrfs*16) in the PALB2 gene. It is expected to result in an absent or disrupted protein product.

Arcensus
Classification: Likely pathogenic for Familial cancer of breast. Last evaluated: 2013-02-01. Review status: criteria provided, single submitter. Criteria: ACMG Guidelines, 2015. Collection method: clinical testing. Allele origin: germline. Affected: yes.

Literature cited by the submitters: PubMed 35710434 (cited by Ambry Genetics); PubMed 17200668 (cited by Labcorp Genetics (formerly Invitae), Labcorp); PubMed 24136930 (cited by Labcorp Genetics (formerly Invitae), Labcorp); PubMed 25099575 (cited by Labcorp Genetics (formerly Invitae), Labcorp).